The following is an entry in ClinVar:

ClinVar aggregate classification (germline): Uncertain significance (1 of 4 stars; one submission).

Conditions:
Alkuraya-Kucinskas syndrome. Identifiers: Orphanet 610569, MedGen C4693347, MONDO:0060631, OMIM 617822.

gnomAD v4.1: 5 of 1,613,916 alleles (0.00031%); highest among the groups gnomAD compares: African/African-American, 0.0067%; no homozygotes.

Submission:

OLLIN Analises Genomicas, OLLIN
Classification: Uncertain significance for Alkuraya-Kucinskas syndrome. Last evaluated: 2026-08-06. Review status: criteria provided, single submitter. Criteria: ACMG Guidelines 2015 PMID 25741868. Collection method: clinical testing. Allele origin: germline.
Comment: This missense variant, located in exon 51 (of 88), has been observed in gnomAD with an allele frequency of 0.00031%, but has not been reported in ClinVar or identified in the literature. In silico analysis predicts that this variant has a tolerated effect. According to the currently available evidence, this variant has been classified as uncertain significance (PM2_P, BP4_M).

NM_001384125.1(BLTP1):c.8797G>C (p.Ala2933Pro)

Gene: BLTP1 (bridge-like lipid transfer protein family member 1; plus strand). Cytogenetic location: 4q27.
Variant type: single nucleotide variant.
Coding change: c.8797G>C on transcript NM_001384125.1 (MANE Select); coding-DNA position 8797, G replaced by C.
Protein change: p.Ala2933Pro; replaces alanine 2933 with proline.
Molecular consequence: missense variant.
Genome position (GRCh38, 1-based): chr4:122,279,980, G>C. VCF-style: chr4-122279980-G-C. GRCh37 (hg19) VCF-style: chr4-123201135-G-C.
Other names: c.8797G>C, p.Ala2933Pro (NM_015312.4); short protein forms A2933P.
Identifiers: ClinVar variation 5002799 (VCV005002799.1).
Genomic context (GRCh38, chr4:122,279,980, plus strand): 5'-GTTCGAAGTTCTCACCAACTATCTAAACAAATCTCAGACCTAATCAGACAGCCTTCTACA[G>C]CGTAAGTTATTTTATTTGTTCACATTCTGTGATTCCATATACTACCTCAGGGTATTCTTT-3'
Protein context (NP_001371054.1, residues 2923-2943): ISDLIRQPST[Ala2933Pro]PQPVKEDIAT